The following is an entry in ClinVar:

ClinVar aggregate classification (germline): Uncertain significance. Review status: criteria provided, multiple submitters, no conflicts (2 of 4 stars). 3 submissions from 3 submitters: Uncertain significance (3). Last evaluated 2025-02-07.

Conditions:
Alpha thalassemia-X-linked intellectual disability syndrome (ATRX). Also called: ALPHA-THALASSEMIA/MENTAL RETARDATION SYNDROME, X-LINKED; X-linked alpha-thalassemia-mental retardation syndrome; ATR-X syndrome; Alpha thalassemia mental retardation syndrome, nondeletion type, X-linked; XLMR hypotonic face syndrome; ATR, NONDELETION TYPE. Identifiers: Orphanet 847, MedGen C1845055, MONDO:0010519, OMIM 301040.

Allele frequency attached by ClinVar (database versions not stated): gnomAD exomes below 0.00001.
gnomAD v4.1: 1 of 1,210,600 alleles (0.000083%); highest among the groups gnomAD compares: Middle Eastern, 0.023%; no homozygotes.

Submissions (3):

Labcorp Genetics (formerly Invitae), Labcorp
Classification: Uncertain significance for Alpha thalassemia-X-linked intellectual disability syndrome. Last evaluated: 2025-02-07. Review status: criteria provided, single submitter. Criteria: Invitae Variant Classification Sherloc (09022015). Collection method: clinical testing. Allele origin: germline.
Comment: This sequence change replaces asparagine, which is neutral and polar, with aspartic acid, which is acidic and polar, at codon 702 of the ATRX protein (p.Asn702Asp). This variant is not present in population databases (gnomAD no frequency). This variant has not been reported in the literature in individuals affected with ATRX-related conditions. ClinVar contains an entry for this variant (Variation ID: 434468). Invitae Evidence Modeling of protein sequence and biophysical properties (such as structural, functional, and spatial information, amino acid conservation, physicochemical variation, residue mobility, and thermodynamic stability) indicates that this missense variant is not expected to disrupt ATRX protein function with a negative predictive value of 95%. In summary, the available evidence is currently insufficient to determine the role of this variant in disease. Therefore, it has been classified as a Variant of Uncertain Significance.

Revvity Omics, Revvity
Classification: Uncertain significance. Last evaluated: 2022-01-11. Review status: criteria provided, single submitter. Criteria: ACMG Guidelines, 2015. Collection method: clinical testing. Allele origin: germline.

Genetic Services Laboratory, University of Chicago
Classification: Uncertain significance. Last evaluated: 2016-01-12. Review status: criteria provided, single submitter. Criteria: ACMG Guidelines, 2015. Collection method: clinical testing. Allele origin: germline. Affected: no.

NM_000489.6(ATRX):c.2104A>G (p.Asn702Asp)

Gene: ATRX (ATRX chromatin remodeler; minus strand). Cytogenetic location: Xq21.1.
Variant type: single nucleotide variant.
Coding change: c.2104A>G on transcript NM_000489.6 (MANE Select); coding-DNA position 2104, A replaced by G.
Protein change: p.Asn702Asp; replaces asparagine 702 with aspartic acid.
Molecular consequence: missense variant.
Genome position (GRCh38, 1-based): chrX:77,683,152, T>C on the plus strand (A>G on the coding strand, the complement: ATRX is on the minus strand). VCF-style: chrX-77683152-T-C. GRCh37 (hg19) VCF-style: chrX-76938644-T-C.
Other names: c.1990A>G, p.Asn664Asp (NM_138270.5); c.2104A>G (NM_000489.5); short protein forms N702D, N664D.
Identifiers: ClinVar variation 434468 (VCV000434468.14), dbSNP rs1557140316, ClinGen allele CA413714745.